The following is an entry in ClinVar:

NC_000015.10:g.73377716G>A

Genes: HCN4 (hyperpolarization activated cyclic nucleotide gated potassium channel 4; minus strand), LOC110121492 (VISTA enhancer hs2161; plus strand). Cytogenetic location: 15q24.1.
Variant type: single nucleotide variant.
Genome position: GRCh38 VCF-style: chr15-73377716-G-A. GRCh37 (hg19) VCF-style: chr15-73670057-G-A.
Identifiers: ClinVar variation 2645528 (VCV002645528.24), dbSNP rs957406980, ClinGen allele CA272662596.
Genomic context (GRCh38, chr15:73,377,716, plus strand): 5'-GCTGTGACAGAGGCTGTGACAGAGGCTGTGATAGAGGCTGTGACAGAGGCTGTGATAGAG[G>A]CTGTGACAGAGGCTGTGACAGAGACTGTGACAGGGACTGTGACAGAGGCTGTGAGAGAGG-3'

ClinVar aggregate classification (germline): Benign (1 of 4 stars; one submission).

Submission:

CeGaT Center for Human Genetics Tuebingen
Classification: Benign. Last evaluated: 2022-07-01. Review status: criteria provided, single submitter. Criteria: CeGaT Center For Human Genetics Tuebingen Variant Classification Criteria Version 2. Collection method: clinical testing. Allele origin: germline. Affected: yes. Observed: 1 variant allele.
Comment: HCN4: BS1, BS2